The following is an entry in ClinVar:

ClinVar aggregate classification (germline): Uncertain significance (1 of 4 stars; one submission).

Conditions:
Cardiovascular phenotype. Identifiers: MedGen CN230736.

Submission:

Ambry Genetics
Classification: Uncertain significance for Cardiovascular phenotype. Last evaluated: 2024-09-23. Review status: criteria provided, single submitter. Criteria: Ambry Variant Classification Scheme 2023. Collection method: clinical testing. Allele origin: germline.
Comment: The p.T826S variant (also known as c.2477C>G), located in coding exon 23 of the ANK2 gene, results from a C to G substitution at nucleotide position 2477. The threonine at codon 826 is replaced by serine, an amino acid with similar properties. This amino acid position is highly conserved in available vertebrate species. In addition, the in silico prediction for this alteration is inconclusive. Since supporting evidence is limited at this time, the clinical significance of this alteration remains unclear.

NM_001148.6(ANK2):c.2477C>G (p.Thr826Ser)

Gene: ANK2 (ankyrin 2; plus strand). Cytogenetic location: 4q26.
Variant type: single nucleotide variant.
Coding change: c.2477C>G on transcript NM_001148.6 (MANE Select); coding-DNA position 2477, C replaced by G.
Protein change: p.Thr826Ser; replaces threonine 826 with serine.
Molecular consequence: missense variant.
Genome position (GRCh38, 1-based): chr4:113,302,768, C>G. VCF-style: chr4-113302768-C-G. GRCh37 (hg19) VCF-style: chr4-114223924-C-G.
Other names: c.2414C>G, p.Thr805Ser (NM_001127493.3, NM_001354239.2, NM_001354243.2 and 10 more transcripts); c.2477C>G, p.Thr826Ser (NM_001354225.2, NM_001354228.2, NM_001354232.2 and 6 more transcripts); c.2522C>G, p.Thr841Ser (NM_001354230.2, NM_001354231.2, NM_001354237.2 and 5 more transcripts); c.2378C>G, p.Thr793Ser (NM_001354245.2, NM_001354268.2); c.2390C>G, p.Thr797Ser (NM_001354249.2, NM_001354264.2, NM_001354266.2 and 10 more transcripts); c.2315C>G, p.Thr772Ser (NM_001354253.2, NM_001354257.2, NM_001354270.2 and 1 more transcripts); c.2291C>G, p.Thr764Ser (NM_001354260.2, NM_001354271.2, NM_001386151.1); c.2435C>G, p.Thr812Ser (NM_001354261.2, NM_001386147.1, NM_001386160.1); and 9 more; short protein forms T35S, T760S, T772S, T822S, T841S, T756S, T797S, T814S.
Identifiers: ClinVar variation 1791850 (VCV001791850.3), dbSNP rs2498405960, ClinGen allele CA357923260.